The following is an entry in ClinVar:

ClinVar aggregate classification (germline): Uncertain significance (1 of 4 stars; one submission).

Submission:

Labcorp Genetics (formerly Invitae), Labcorp
Classification: Uncertain significance. Last evaluated: 2023-11-01. Review status: criteria provided, single submitter. Criteria: Invitae Variant Classification Sherloc (09022015). Collection method: clinical testing. Allele origin: germline.
Comment: This sequence change affects the initiator methionine of the TNNI3K mRNA. The next in-frame methionine is located at codon 88. This variant is not present in population databases (gnomAD no frequency). This variant has not been reported in the literature in individuals affected with TNNI3K-related conditions. Experimental studies and prediction algorithms are not available or were not evaluated, and the functional significance of this variant is currently unknown. In summary, the available evidence is currently insufficient to determine the role of this variant in disease. Therefore, it has been classified as a Variant of Uncertain Significance.

NM_015978.3(TNNI3K):c.1A>G (p.Met1Val)

Genes: FPGT-TNNI3K (FPGT-TNNI3K readthrough; plus strand), TNNI3K (TNNI3 interacting kinase; plus strand). Cytogenetic location: 1p31.1.
Variant type: single nucleotide variant.
Coding change: c.1A>G on transcript NM_015978.3 (MANE Select); coding-DNA position 1, A replaced by G.
Protein change: p.Met1Val; changes the start codon (methionine 1).
Molecular consequence: missense variant, initiator codon variant. On other transcripts: intron variant (2).
Genome position (GRCh38, 1-based): chr1:74,235,452, A>G. VCF-style: chr1-74235452-A-G. GRCh37 (hg19) VCF-style: chr1-74701136-A-G.
Other names: c.344-650A>G (NM_001112808.3, NM_001199327.2); short protein forms M1V.
Identifiers: ClinVar variation 2864977 (VCV002864977.3), dbSNP rs2524303900, ClinGen allele CA340786753.